The following is an entry in ClinVar:

NM_000578.4(SLC11A1):c.36G>A (p.Gly12=)

Gene: SLC11A1 (solute carrier family 11 member 1; plus strand). Cytogenetic location: 2q35.
Variant type: single nucleotide variant.
Coding change: c.36G>A on transcript NM_000578.4 (MANE Select); coding-DNA position 36, G replaced by A.
Protein change: p.Gly12=; no amino-acid change (glycine 12 retained).
Molecular consequence: synonymous variant.
Genome position (GRCh38, 1-based): chr2:218,382,988, G>A. VCF-style: chr2-218382988-G-A. GRCh37 (hg19) VCF-style: chr2-219247711-G-A.
Identifiers: ClinVar variation 3025428 (VCV003025428.22), dbSNP rs17221910, ClinGen allele CA2104727.

ClinVar aggregate classification (germline): Likely benign (1 of 4 stars; one submission).

Allele frequency attached by ClinVar (database versions not stated): ExAC 0.00015; TOPMed 0.00017; 1000 Genomes Project 0.00020; gnomAD 0.00020; ESP Exome Variant Server 0.00023; gnomAD exomes 0.00030; 1000 Genomes Project 30x 0.00031.
gnomAD v4.1: 449 of 1,614,086 alleles (0.028%); highest among the groups gnomAD compares: Non-Finnish European, 0.037%; no homozygotes.

Submission:

CeGaT Center for Human Genetics Tuebingen
Classification: Likely benign. Last evaluated: 2023-12-01. Review status: criteria provided, single submitter. Criteria: CeGaT Center For Human Genetics Tuebingen Variant Classification Criteria Version 2. Collection method: clinical testing. Allele origin: germline. Affected: yes. Observed: 1 variant allele.
Comment: SLC11A1: BP4, BP7